The following is an entry in ClinVar:

ClinVar aggregate classification (germline): Benign (1 of 4 stars; one submission).

Conditions:
Exudative vitreoretinopathy 1 (EVR1). Also called: CRISWICK-SCHEPENS SYNDROME; FEVR, AUTOSOMAL DOMINANT; Familial exudative vitreoretinopathy, autosomal dominant. Identifiers: Orphanet 891, Orphanet 90050, MedGen C1851402, MONDO:0007589, OMIM 133780.

Allele frequency attached by ClinVar (database versions not stated): gnomAD 0.00040 and 0.00056; TOPMed 0.00083; 1000 Genomes Project 0.00240; 1000 Genomes Project 30x 0.00328.

Submission:

Illumina Laboratory Services, Illumina
Classification: Benign for Exudative vitreoretinopathy 1. Last evaluated: 2018-01-13. Review status: criteria provided, single submitter. Criteria: ICSL Variant Classification Criteria 13 December 2019. Collection method: clinical testing. Allele origin: germline.
Comment: This variant was observed in the ICSL laboratory as part of a predisposition screen in an ostensibly healthy population. It had not been previously curated by ICSL or reported in the Human Gene Mutation Database (HGMD: prior to June 1st, 2018), and was therefore a candidate for classification through an automated scoring system. Utilizing variant allele frequency, disease prevalence and penetrance estimates, and inheritance mode, an automated score was calculated to assess if this variant is too frequent to cause the disease. Based on the score and internal cut-off values, a variant classified as benign is not then subjected to further curation. The score for this variant resulted in a classification of benign for this disease.

NM_012193.4(FZD4):c.*3770A>T

Genes: PRSS23 (serine protease 23; plus strand), FZD4 (frizzled class receptor 4; minus strand). Cytogenetic location: 11q14.2.
Variant type: single nucleotide variant.
Coding change: c.*3770A>T on transcript NM_012193.4 (MANE Select); 3770 bases downstream of the stop codon, A replaced by T.
Molecular consequence: 3 prime UTR variant.
Genome position (GRCh38, 1-based): chr11:86,947,372, T>A on the plus strand (A>T on the coding strand, the complement: FZD4 is on the minus strand). VCF-style: chr11-86947372-T-A. GRCh37 (hg19) VCF-style: chr11-86658414-T-A.
Identifiers: ClinVar variation 306356 (VCV000306356.5), dbSNP rs182049165, ClinGen allele CA10639582.